The following is an entry in ClinVar:

ClinVar aggregate classification (germline): Benign. Review status: criteria provided, multiple submitters, no conflicts (2 of 4 stars). 2 submissions from 2 submitters: Benign (2). Last evaluated 2018-06-16.

Allele frequency attached by ClinVar (database versions not stated): 1000 Genomes Project 0.02636; 1000 Genomes Project 30x 0.02717; TOPMed 0.04978; gnomAD 0.05333.
gnomAD v4.1: 70,825 of 1,140,206 alleles (6.2%); highest among the groups gnomAD compares: Non-Finnish European, 7.5%; 2,755 homozygotes.

Submissions (2):

GeneDx
Classification: Benign. Last evaluated: 2018-06-16. Review status: criteria provided, single submitter. Criteria: GeneDx Variant Classification (06012015). Collection method: clinical testing. Allele origin: germline. Affected: yes.
Comment: This variant is considered likely benign or benign based on one or more of the following criteria: it is a conservative change, it occurs at a poorly conserved position in the protein, it is predicted to be benign by multiple in silico algorithms, and/or has population frequency not consistent with disease.

Breakthrough Genomics
Classification: Benign. Review status: criteria provided, single submitter. Criteria: ACMG Guidelines, 2015. Collection method: not provided. Allele origin: germline. Inheritance: Unknown mechanism. Affected: yes.

NM_004304.5(ALK):c.1817+123G>A

Gene: ALK (ALK receptor tyrosine kinase; minus strand). Cytogenetic location: 2p23.2.
Variant type: single nucleotide variant.
Coding change: c.1817+123G>A on transcript NM_004304.5 (MANE Select); 123 bases into the intron after coding-DNA position 1817, G replaced by A.
Molecular consequence: intron variant.
Genome position (GRCh38, 1-based): chr2:29,296,765, C>T on the plus strand (G>A on the coding strand, the complement: ALK is on the minus strand). VCF-style: chr2-29296765-C-T. GRCh37 (hg19) VCF-style: chr2-29519631-C-T.
Identifiers: ClinVar variation 676903 (VCV000676903.2), dbSNP rs78817793, ClinGen allele CA11247889.